The following is an entry in ClinVar:

NM_003126.4(SPTA1):c.5834-15G>A

Gene: SPTA1 (spectrin alpha, erythrocytic 1; minus strand). Cytogenetic location: 1q23.1.
Variant type: single nucleotide variant.
Coding change: c.5834-15G>A on transcript NM_003126.4 (MANE Select); 15 bases into the intron before coding-DNA position 5834, G replaced by A.
Molecular consequence: intron variant.
Genome position (GRCh38, 1-based): chr1:158,626,237, C>T on the plus strand (G>A on the coding strand, the complement: SPTA1 is on the minus strand). VCF-style: chr1-158626237-C-T. GRCh37 (hg19) VCF-style: chr1-158596027-C-T.
Other names: p.?.
Identifiers: ClinVar variation 292962 (VCV000292962.20), dbSNP rs192889943, ClinGen allele CA1182170.

ClinVar aggregate classification (germline): Conflicting classifications of pathogenicity. Review status: criteria provided, conflicting classifications (1 of 4 stars). 7 submissions from 5 submitters: Uncertain significance (2); Benign (2); Likely benign (3). Last evaluated 2026-01-26.

Conditions:
Hereditary spherocytosis type 3. Also called: Spherocytosis type 3; SPTA1-Related Spherocytosis. Identifiers: Orphanet 822, MedGen C2678338, MONDO:0010053, OMIM 270970.
Elliptocytosis 2 (EL2). Also called: ELLIPTOCYTOSIS, RHESUS-UNLINKED TYPE. Identifiers: Orphanet 288, MedGen C1851741, MONDO:0007533, OMIM 130600.
Pyropoikilocytosis, hereditary. Also called: Pyropoikilocytosis. Identifiers: MedGen C0520739, MONDO:0009948, OMIM 266140, HP:0004839. Disease mechanism: loss of function.

Allele frequency attached by ClinVar (database versions not stated): 1000 Genomes Project 30x 0.00281; 1000 Genomes Project 0.00319; TOPMed 0.00467; gnomAD 0.00479 and 0.00480; ESP Exome Variant Server 0.00544.
gnomAD v4.1: 8,955 of 1,612,374 alleles (0.56%); highest among the groups gnomAD compares: Middle Eastern, 1.1%; 45 homozygotes.

Submissions (7):

Labcorp Genetics (formerly Invitae), Labcorp
Classification: Benign. Last evaluated: 2026-01-26. Review status: criteria provided, single submitter. Criteria: Invitae Variant Classification Sherloc (09022015). Collection method: clinical testing. Allele origin: germline.

ARUP Laboratories, Molecular Genetics and Genomics, ARUP Laboratories
Classification: Benign. Last evaluated: 2025-07-25. Review status: criteria provided, single submitter. Criteria: ARUP Molecular Germline Variant Investigation Process 2024. Collection method: clinical testing. Allele origin: germline.

Blueprint Genetics
Classification: Likely benign. Last evaluated: 2024-11-26. Review status: criteria provided, single submitter. Criteria: ACMG Guidelines, 2015. Collection method: clinical testing. Allele origin: germline.

Mayo Clinic Laboratories, Mayo Clinic
Classification: Likely benign. Last evaluated: 2024-09-19. Review status: criteria provided, single submitter. Criteria: ACMG Guidelines, 2015. Collection method: clinical testing. Allele origin: germline. Observed: 26 variant alleles.

Illumina Laboratory Services, Illumina
Classification: Uncertain significance for Hereditary spherocytosis type 3. Last evaluated: 2018-01-13. Review status: criteria provided, single submitter. Criteria: ICSL Variant Classification Criteria 13 December 2019. Collection method: clinical testing. Allele origin: germline.

Illumina Laboratory Services, Illumina
Classification: Likely benign for Elliptocytosis 2. Last evaluated: 2018-01-13. Review status: criteria provided, single submitter. Criteria: ICSL Variant Classification Criteria 13 December 2019. Collection method: clinical testing. Allele origin: germline.
Comment: This variant was observed in the ICSL laboratory as part of a predisposition screen in an ostensibly healthy population. It had not been previously curated by ICSL or reported in the Human Gene Mutation Database (HGMD: prior to June 1st, 2018), and was therefore a candidate for classification through an automated scoring system. Utilizing variant allele frequency, disease prevalence and penetrance estimates, and inheritance mode, an automated score was calculated to assess if this variant is too frequent to cause the disease. Based on the score and internal cut-off values, a variant classified as likely benign is not then subjected to further curation. The score for this variant resulted in a classification of likely benign for this disease.

Illumina Laboratory Services, Illumina
Classification: Uncertain significance for Pyropoikilocytosis, hereditary. Last evaluated: 2018-01-13. Review status: criteria provided, single submitter. Criteria: ICSL Variant Classification Criteria 13 December 2019. Collection method: clinical testing. Allele origin: germline.